The following is an entry in ClinVar:

NM_006070.6(TFG):c.545T>C (p.Met182Thr)

Gene: TFG (trafficking from ER to golgi regulator; plus strand). Cytogenetic location: 3q12.2.
Variant type: single nucleotide variant.
Coding change: c.545T>C on transcript NM_006070.6 (MANE Select); coding-DNA position 545, T replaced by C.
Protein change: p.Met182Thr; replaces methionine 182 with threonine.
Molecular consequence: missense variant.
Genome position (GRCh38, 1-based): chr3:100,732,637, T>C. VCF-style: chr3-100732637-T-C. GRCh37 (hg19) VCF-style: chr3-100451481-T-C.
Other names: c.545T>C, p.Met182Thr (NM_001007565.2, NM_001195478.2, NM_001195479.2); short protein forms M182T.
Identifiers: ClinVar variation 663351 (VCV000663351.27), dbSNP rs199724547, ClinGen allele CA2517103.

ClinVar aggregate classification (germline): Uncertain significance. Review status: criteria provided, multiple submitters, no conflicts (2 of 4 stars). 6 submissions from 6 submitters: Uncertain significance (6). Last evaluated 2026-06-16.

Conditions:
Inborn genetic diseases. Identifiers: MedGen C0950123, MeSH D030342.
TFG-related disorder. Also called: TFG-related condition; TFG-related disorders.
Hereditary spastic paraplegia 57. Also called: Spastic paraplegia 57, autosomal recessive. Identifiers: Orphanet 431329, MedGen C3714897, MONDO:0014295, OMIM 615658.
Hereditary motor and sensory neuropathy, Okinawa type (HMSNO). Also called: HEREDITARY MOTOR AND SENSORY NEUROPATHY, PROXIMAL TYPE. Identifiers: Orphanet 90117, MedGen C1858338, MONDO:0011468, OMIM 604484.

Allele frequency attached by ClinVar (database versions not stated): TOPMed 0.00003; gnomAD exomes 0.00004 and 0.00006; ExAC 0.00005; gnomAD 0.00005 and 0.00006.

Submissions (6):

PreventionGenetics, part of Exact Sciences
Classification: Uncertain significance for TFG-related condition. Last evaluated: 2026-06-16. Review status: criteria provided, single submitter. Criteria: ACMG Guidelines, 2015. Collection method: clinical testing. Allele origin: germline.
Comment: The TFG c.545T>C variant is predicted to result in the amino acid substitution p.Met182Thr. To our knowledge, this variant has not been reported in the literature. This variant is reported in 0.0099% of alleles in individuals of South Asian descent in gnomAD. At this time, the clinical significance of this variant is uncertain due to the absence of conclusive functional and genetic evidence.

Labcorp Genetics (formerly Invitae), Labcorp
Classification: Uncertain significance for Hereditary motor and sensory neuropathy, Okinawa type; Hereditary spastic paraplegia 57. Last evaluated: 2025-10-09. Review status: criteria provided, single submitter. Criteria: Invitae Variant Classification Sherloc (09022015). Collection method: clinical testing. Allele origin: germline.
Comment: This sequence change replaces methionine, which is neutral and non-polar, with threonine, which is neutral and polar, at codon 182 of the TFG protein (p.Met182Thr). This variant is present in population databases (rs199724547, gnomAD 0.01%). This variant has not been reported in the literature in individuals affected with TFG-related conditions. ClinVar contains an entry for this variant (Variation ID: 663351). Invitae Evidence Modeling of protein sequence and biophysical properties (such as structural, functional, and spatial information, amino acid conservation, physicochemical variation, residue mobility, and thermodynamic stability) indicates that this missense variant is not expected to disrupt TFG protein function with a negative predictive value of 80%. In summary, the available evidence is currently insufficient to determine the role of this variant in disease. Therefore, it has been classified as a Variant of Uncertain Significance.

CeGaT Center for Human Genetics Tuebingen
Classification: Uncertain significance. Last evaluated: 2025-02-01. Review status: criteria provided, single submitter. Criteria: CeGaT Center For Human Genetics Tuebingen Variant Classification Criteria Version 2. Collection method: clinical testing. Allele origin: germline. Affected: yes. Observed: 1 variant allele.

Ambry Genetics
Classification: Uncertain significance for Inborn genetic diseases. Last evaluated: 2020-10-01. Review status: criteria provided, single submitter. Criteria: Ambry Variant Classification Scheme 2023. Collection method: clinical testing. Allele origin: germline.
Comment: The p.M182T variant (also known as c.545T>C), located in coding exon 4 of the TFG gene, results from a T to C substitution at nucleotide position 545. The methionine at codon 182 is replaced by threonine, an amino acid with similar properties. This amino acid position is well conserved in available vertebrate species. In addition, this alteration is predicted to be tolerated by in silico analysis. Since supporting evidence is limited at this time, the clinical significance of this alteration remains unclear.

GeneDx
Classification: Uncertain significance. Last evaluated: 2018-10-26. Review status: criteria provided, single submitter. Criteria: GeneDx Variant Classification Process June 2021. Collection method: clinical testing. Allele origin: germline. Affected: yes.
Comment: In silico analysis, which includes protein predictors and evolutionary conservation, supports that this variant does not alter protein structure/function; Has not been previously published as pathogenic or benign to our knowledge

Baylor Genetics
Classification: Uncertain significance for Hereditary spastic paraplegia 57. Last evaluated: 2018-02-16. Review status: criteria provided, single submitter. Criteria: ACMG Guidelines, 2015. Collection method: clinical testing. Allele origin: maternal. Affected: yes.
Comment: This variant was determined to be of uncertain significance according to ACMG Guidelines, 2015 [PMID:25741868].